The following is an entry in ClinVar:

NM_032816.5(CEP89):c.781C>G (p.Leu261Val)

Gene: CEP89 (centrosomal protein 89; minus strand). Cytogenetic location: 19q13.11.
Variant type: single nucleotide variant.
Coding change: c.781C>G on transcript NM_032816.5 (MANE Select); coding-DNA position 781, C replaced by G.
Protein change: p.Leu261Val; replaces leucine 261 with valine.
Molecular consequence: missense variant.
Genome position (GRCh38, 1-based): chr19:32,933,556, G>C on the plus strand (C>G on the coding strand, the complement: CEP89 is on the minus strand). VCF-style: chr19-32933556-G-C. GRCh37 (hg19) VCF-style: chr19-33424462-G-C.
Other names: short protein forms L261V.
Identifiers: ClinVar variation 2420245 (VCV002420245.6), dbSNP rs773406754, ClinGen allele CA9359514.

ClinVar aggregate classification (germline): Uncertain significance (1 of 4 stars; one submission).

Allele frequency attached by ClinVar (database versions not stated): gnomAD exomes below 0.00001; gnomAD 0.00001; ExAC 0.00002.
gnomAD v4.1: 3 of 1,613,050 alleles (0.00019%); highest among the groups gnomAD compares: Non-Finnish European, 0.00025%; no homozygotes.

Submission:

Labcorp Genetics (formerly Invitae), Labcorp
Classification: Uncertain significance. Last evaluated: 2022-03-13. Review status: criteria provided, single submitter. Criteria: Invitae Variant Classification Sherloc (09022015). Collection method: clinical testing. Allele origin: germline.
Comment: In summary, the available evidence is currently insufficient to determine the role of this variant in disease. Therefore, it has been classified as a Variant of Uncertain Significance. Algorithms developed to predict the effect of missense changes on protein structure and function are either unavailable or do not agree on the potential impact of this missense change (SIFT: "Tolerated"; PolyPhen-2: "Probably Damaging"; Align-GVGD: "Class C0"). This variant has not been reported in the literature in individuals affected with CEP89-related conditions. This variant is present in population databases (rs773406754, gnomAD 0.002%). This sequence change replaces leucine, which is neutral and non-polar, with valine, which is neutral and non-polar, at codon 261 of the CEP89 protein (p.Leu261Val).